The following is an entry in ClinVar:

NM_020937.4(FANCM):c.4633T>C (p.Phe1545Leu)

Gene: FANCM (FA complementation group M; plus strand). Cytogenetic location: 14q21.2.
Variant type: single nucleotide variant.
Coding change: c.4633T>C on transcript NM_020937.4 (MANE Select); coding-DNA position 4633, T replaced by C.
Protein change: p.Phe1545Leu; replaces phenylalanine 1545 with leucine.
Molecular consequence: missense variant.
Genome position (GRCh38, 1-based): chr14:45,185,334, T>C. VCF-style: chr14-45185334-T-C. GRCh37 (hg19) VCF-style: chr14-45654537-T-C.
Other names: c.4555T>C, p.Phe1519Leu (NM_001308133.2); short protein forms F1545L, F1519L.
Identifiers: ClinVar variation 3669696 (VCV003669696.3).

ClinVar aggregate classification (germline): Uncertain significance. Review status: criteria provided, multiple submitters, no conflicts (2 of 4 stars). 2 submissions from 2 submitters: Uncertain significance (2). Last evaluated 2026-04-28.

Conditions:
Fanconi anemia (FA). Also called: Fanconi's anemia. Identifiers: Orphanet 84, MedGen C0015625, MeSH D005199, MONDO:0019391.
Inborn genetic diseases. Identifiers: MedGen C0950123, MeSH D030342.

Submissions (2):

Ambry Genetics
Classification: Uncertain significance for Inborn genetic diseases. Last evaluated: 2026-04-28. Review status: criteria provided, single submitter. Criteria: Ambry Variant Classification Scheme 2023. Collection method: clinical testing. Allele origin: germline.
Comment: The p.F1545L variant (also known as c.4633T>C), located in coding exon 18 of the FANCM gene, results from a T to C substitution at nucleotide position 4633. The phenylalanine at codon 1545 is replaced by leucine, an amino acid with highly similar properties. This amino acid position is conserved. In addition, the in silico prediction for this alteration is inconclusive. Based on the available evidence, the clinical significance of this variant remains unclear.

Labcorp Genetics (formerly Invitae), Labcorp
Classification: Uncertain significance for Fanconi anemia. Last evaluated: 2024-03-09. Review status: criteria provided, single submitter. Criteria: Invitae Variant Classification Sherloc (09022015). Collection method: clinical testing. Allele origin: germline.
Comment: This sequence change replaces phenylalanine, which is neutral and non-polar, with leucine, which is neutral and non-polar, at codon 1545 of the FANCM protein (p.Phe1545Leu). This variant is not present in population databases (gnomAD no frequency). This variant has not been reported in the literature in individuals affected with FANCM-related conditions. An algorithm developed to predict the effect of missense changes on protein structure and function (PolyPhen-2) suggests that this variant is likely to be disruptive. In summary, the available evidence is currently insufficient to determine the role of this variant in disease. Therefore, it has been classified as a Variant of Uncertain Significance.